The following is an entry in ClinVar:

NM_004859.4(CLTC):c.4514T>C (p.Ile1505Thr)

Genes: CLTC (clathrin heavy chain; plus strand), LOC125177523 (Sharpr-MPRA regulatory region 12460; plus strand). Cytogenetic location: 17q23.1.
Variant type: single nucleotide variant.
Coding change: c.4514T>C on transcript NM_004859.4 (MANE Select); coding-DNA position 4514, T replaced by C.
Protein change: p.Ile1505Thr; replaces isoleucine 1505 with threonine.
Molecular consequence: missense variant.
Genome position (GRCh38, 1-based): chr17:59,685,135, T>C. VCF-style: chr17-59685135-T-C. GRCh37 (hg19) VCF-style: chr17-57762496-T-C.
Other names: c.4526T>C, p.Ile1509Thr (NM_001288653.2); c.4514T>C (NM_004859.3); short protein forms I1509T, I1505T.
Identifiers: ClinVar variation 1976262 (VCV001976262.6), dbSNP rs774690176, ClinGen allele CA8681753.
Genomic context (GRCh38, chr17:59,685,135, plus strand): 5'-ATGCTTATGACAACTTTGACAATATCTCGCTTGCTCAGCGTTTGGAAAAACATGAACTCA[T>C]TGAGTTCAGGAGAATTGCTGCTTATCTCTTCAAAGGCAACAATCGCTGGAAACAGAGTGT-3'
Protein context (NP_004850.1, residues 1495-1515): LAQRLEKHEL[Ile1505Thr]EFRRIAAYLF

ClinVar aggregate classification (germline): Uncertain significance. Review status: criteria provided, multiple submitters, no conflicts (2 of 4 stars). 2 submissions from 2 submitters: Uncertain significance (2). Last evaluated 2025-08-20.

Conditions:
Inborn genetic diseases. Identifiers: MedGen C0950123, MeSH D030342.

Allele frequency attached by ClinVar (database versions not stated): gnomAD exomes below 0.00001; ExAC 0.00001.
gnomAD v4.1: 2 of 1,610,900 alleles (0.00012%); highest among the groups gnomAD compares: Non-Finnish European, 0.00017%; no homozygotes.

Submissions (2):

Ambry Genetics
Classification: Uncertain significance for Inborn genetic diseases. Last evaluated: 2025-08-20. Review status: criteria provided, single submitter. Criteria: Ambry Variant Classification Scheme 2023. Collection method: clinical testing. Allele origin: germline.

Labcorp Genetics (formerly Invitae), Labcorp
Classification: Uncertain significance. Last evaluated: 2023-12-18. Review status: criteria provided, single submitter. Criteria: Invitae Variant Classification Sherloc (09022015). Collection method: clinical testing. Allele origin: germline.
Comment: This sequence change replaces isoleucine, which is neutral and non-polar, with threonine, which is neutral and polar, at codon 1509 of the CLTC protein (p.Ile1509Thr). This variant is present in population databases (rs774690176, gnomAD 0.006%). This variant has not been reported in the literature in individuals affected with CLTC-related conditions. ClinVar contains an entry for this variant (Variation ID: 1976262). Advanced modeling of protein sequence and biophysical properties (such as structural, functional, and spatial information, amino acid conservation, physicochemical variation, residue mobility, and thermodynamic stability) performed at Invitae indicates that this missense variant is not expected to disrupt CLTC protein function with a negative predictive value of 80%. In summary, the available evidence is currently insufficient to determine the role of this variant in disease. Therefore, it has been classified as a Variant of Uncertain Significance.